The following is an entry in ClinVar:

ClinVar aggregate classification (germline): Uncertain significance. Review status: criteria provided, multiple submitters, no conflicts (2 of 4 stars). 3 submissions from 3 submitters: Uncertain significance (3). Last evaluated 2025-02-06.

Conditions:
Inborn genetic diseases. Identifiers: MedGen C0950123, MeSH D030342.
Fanconi anemia complementation group A (FANCA). Also called: FANCA-Related Fanconi Anemia; Fanconi anemia, group A. Identifiers: Orphanet 84, MedGen C3469521, MONDO:0009215, OMIM 227650.
Fanconi anemia (FA). Also called: Fanconi's anemia. Identifiers: Orphanet 84, MedGen C0015625, MeSH D005199, MONDO:0019391.

Allele frequency attached by ClinVar (database versions not stated): TOPMed below 0.00001; gnomAD 0.00001; gnomAD exomes 0.00001.
gnomAD v4.1: 3 of 1,614,044 alleles (0.00019%); highest among the groups gnomAD compares: African/African-American, 0.004%; no homozygotes.

Submissions (3):

Ambry Genetics
Classification: Uncertain significance for Inborn genetic diseases. Last evaluated: 2025-02-06. Review status: criteria provided, single submitter. Criteria: Ambry Variant Classification Scheme 2023. Collection method: clinical testing. Allele origin: germline.
Comment: The p.S820N variant (also known as c.2459G>A), located in coding exon 26 of the FANCA gene, results from a G to A substitution at nucleotide position 2459. The serine at codon 820 is replaced by asparagine, an amino acid with highly similar properties. This amino acid position is conserved. In addition, this alteration is predicted to be tolerated by in silico analysis. Based on the available evidence, the clinical significance of this variant remains unclear.

Labcorp Genetics (formerly Invitae), Labcorp
Classification: Uncertain significance for Fanconi anemia. Last evaluated: 2022-06-02. Review status: criteria provided, single submitter. Criteria: Invitae Variant Classification Sherloc (09022015). Collection method: clinical testing. Allele origin: germline.
Comment: This sequence change replaces serine, which is neutral and polar, with asparagine, which is neutral and polar, at codon 820 of the FANCA protein (p.Ser820Asn). This variant is present in population databases (no rsID available, gnomAD 0.01%). This variant has not been reported in the literature in individuals affected with FANCA-related conditions. ClinVar contains an entry for this variant (Variation ID: 1508659). Advanced modeling of protein sequence and biophysical properties (such as structural, functional, and spatial information, amino acid conservation, physicochemical variation, residue mobility, and thermodynamic stability) performed at Invitae indicates that this missense variant is not expected to disrupt FANCA protein function. In summary, the available evidence is currently insufficient to determine the role of this variant in disease. Therefore, it has been classified as a Variant of Uncertain Significance.

Fulgent Genetics
Classification: Uncertain significance for Fanconi anemia complementation group A. Last evaluated: 2021-12-16. Review status: criteria provided, single submitter. Criteria: ACMG Guidelines, 2015. Collection method: clinical testing. Allele origin: unknown.

NM_000135.4(FANCA):c.2459G>A (p.Ser820Asn)

Gene: FANCA (FA complementation group A; minus strand). Cytogenetic location: 16q24.3.
Variant type: single nucleotide variant.
Coding change: c.2459G>A on transcript NM_000135.4 (MANE Select); coding-DNA position 2459, G replaced by A.
Protein change: p.Ser820Asn; replaces serine 820 with asparagine.
Molecular consequence: missense variant.
Genome position (GRCh38, 1-based): chr16:89,769,882, C>T on the plus strand (G>A on the coding strand, the complement: FANCA is on the minus strand). VCF-style: chr16-89769882-C-T. GRCh37 (hg19) VCF-style: chr16-89836290-C-T.
Other names: c.2459G>A, p.Ser820Asn (NM_001286167.3); c.2459G>A (NM_000135.2); short protein forms S820N.
Identifiers: ClinVar variation 1508659 (VCV001508659.5), dbSNP rs1339411422, ClinGen allele CA397443264.
Genomic context (GRCh38, chr16:89,769,882, plus strand): 5'-GGAAGAAGAGCTCACTTCAGGCAGAAGAACAAGGAATCCCTCGTCCTACAGGTCAGGAGG[C>T]TGTCAAAGAGCGCAGGGACAGGAAGGCCAGCACCAGGTGCAGGAGGACCCACATCCACCT-3'
Protein context (NP_000126.2, residues 810-830): AGLPVPALFD[Ser820Asn]LLTCRTRDSL